The following is an entry in ClinVar:

ClinVar aggregate classification (germline): Likely pathogenic (1 of 4 stars; one submission).

Conditions:
Neurodevelopmental disorder with motor regression, progressive spastic paraplegia, and oromotor dysfunction (NEDRSO). Identifiers: MedGen C5882695, MONDO:0957791, OMIM 620515.

gnomAD v4.1: 3 of 1,609,502 alleles (0.00019%); highest among the groups gnomAD compares: South Asian, 0.0011%; no homozygotes.

Submission:

Juno Genomics, Hangzhou Juno Genomics, Inc
Classification: Likely pathogenic for Neurodevelopmental disorder with motor regression, progressive spastic paraplegia, and oromotor dysfunction. Review status: criteria provided, single submitter. Criteria: ACMG Guidelines, 2015. Collection method: clinical testing. Allele origin: germline.
Comment: Absent from controls (or at extremely low frequency if recessive) in Genome Aggregation Database.;Null variant in a gene where loss of function (LOF) is a known mechanism of disease.

NM_003086.4(SNAPC4):c.181G>T (p.Glu61Ter)

Gene: SNAPC4 (small nuclear RNA activating complex polypeptide 4; minus strand). Cytogenetic location: 9q34.3.
Variant type: single nucleotide variant.
Coding change: c.181G>T on transcript NM_003086.4 (MANE Select); coding-DNA position 181, G replaced by T.
Protein change: p.Glu61Ter; replaces glutamic acid 61 with a stop codon.
Molecular consequence: nonsense.
Genome position (GRCh38, 1-based): chr9:136,395,767, C>A on the plus strand (G>T on the coding strand, the complement: SNAPC4 is on the minus strand). VCF-style: chr9-136395767-C-A. GRCh37 (hg19) VCF-style: chr9-139290219-C-A.
Other names: c.181G>T, p.Glu61Ter (NM_001394201.1, NM_001394202.1, NM_001394203.1); short protein forms E61*.
Identifiers: ClinVar variation 5019024 (VCV005019024.2).